The following is an entry in ClinVar:

NM_000018.4(ACADVL):c.329C>A (p.Ser110Tyr)

Gene: ACADVL (acyl-CoA dehydrogenase very long chain; plus strand). Cytogenetic location: 17p13.1.
Variant type: single nucleotide variant.
Coding change: c.329C>A on transcript NM_000018.4 (MANE Select); coding-DNA position 329, C replaced by A.
Protein change: p.Ser110Tyr; replaces serine 110 with tyrosine.
Molecular consequence: missense variant.
Genome position (GRCh38, 1-based): chr17:7,220,817, C>A. VCF-style: chr17-7220817-C-A. GRCh37 (hg19) VCF-style: chr17-7124136-C-A.
Other names: c.263C>A, p.Ser88Tyr (NM_001033859.3); c.398C>A, p.Ser133Tyr (NM_001270447.2); c.101C>A, p.Ser34Tyr (NM_001270448.2); short protein forms S34Y, S110Y, S133Y, S88Y.
Identifiers: ClinVar variation 1421138 (VCV001421138.5), dbSNP rs757608507, ClinGen allele CA8337651.

ClinVar aggregate classification (germline): Uncertain significance (1 of 4 stars; one submission).

Conditions:
Very long chain acyl-CoA dehydrogenase deficiency (ACADVLD). Also called: VLCAD Deficiency; Very Long-Chain Acyl-Coenzyme A Dehydrogenase Deficiency. Identifiers: Orphanet 26793, MedGen C3887523, MONDO:0008723, OMIM 201475.

Allele frequency attached by ClinVar (database versions not stated): ExAC 0.00001.
gnomAD v4.1: 4 of 1,614,046 alleles (0.00025%); highest among the groups gnomAD compares: East Asian, 0.0089%; no homozygotes.

Submission:

Labcorp Genetics (formerly Invitae), Labcorp
Classification: Uncertain significance for Very long chain acyl-CoA dehydrogenase deficiency. Last evaluated: 2021-09-17. Review status: criteria provided, single submitter. Criteria: Invitae Variant Classification Sherloc (09022015). Collection method: clinical testing. Allele origin: germline.
Comment: This sequence change replaces serine with tyrosine at codon 110 of the ACADVL protein (p.Ser110Tyr). The serine residue is moderately conserved and there is a large physicochemical difference between serine and tyrosine. This variant is present in population databases (rs757608507, ExAC 0.01%). This variant has not been reported in the literature in individuals affected with ACADVL-related conditions. Algorithms developed to predict the effect of missense changes on protein structure and function are either unavailable or do not agree on the potential impact of this missense change (SIFT: "Deleterious"; PolyPhen-2: "Possibly Damaging"; Align-GVGD: "Class C0"). In summary, the available evidence is currently insufficient to determine the role of this variant in disease. Therefore, it has been classified as a Variant of Uncertain Significance.